The following is an entry in ClinVar:

ClinVar aggregate classification (germline): Uncertain significance. Review status: criteria provided, multiple submitters, no conflicts (2 of 4 stars). 3 submissions from 3 submitters: Uncertain significance (3). Last evaluated 2025-10-21.

Conditions:
Glutaric aciduria, type 1. Also called: Glutaric Acidemia Type 1; Glutaricaciduria, type I; Glutaryl-CoA dehydrogenase deficiency; Glutaric acidemia type I; GA I; Glutaricacidemia Type 1. Identifiers: Orphanet 25, MedGen C0268595, MONDO:0009281, OMIM 231670.
Inborn genetic diseases. Identifiers: MedGen C0950123, MeSH D030342.

Allele frequency attached by ClinVar (database versions not stated): gnomAD exomes below 0.00001.

Submissions (3):

Myriad Genetics, Inc.
Classification: Uncertain significance for Glutaric aciduria, type 1. Last evaluated: 2025-10-21. Review status: criteria provided, single submitter. Criteria: Myriad Autosomal Dominant, Autosomal Recessive and X-Linked Classification Criteria (2023). Collection method: clinical testing. Allele origin: unknown.
Comment: NM_000159.2(GCDH):c.1039C>T(L347F) is a missense variant classified as a variant of uncertain significance in the context of glutaric acidemia, GCDH-related. L347F has been observed in a case with relevant disease (PMID: 15505393). Relevant functional assessments of this variant are not available in the literature. L347F has not been observed in referenced population frequency databases. In summary, there is insufficient evidence to classify NM_000159.2(GCDH):c.1039C>T(L347F) as pathogenic or benign. Please note: this variant was assessed in the context of healthy population screening.

Ambry Genetics
Classification: Uncertain significance for Inborn genetic diseases. Last evaluated: 2025-08-29. Review status: criteria provided, single submitter. Criteria: Ambry Variant Classification Scheme 2023. Collection method: clinical testing. Allele origin: germline.
Comment: The c.1039C>T (p.L347F) alteration is located in exon 10 (coding exon 9) of the GCDH gene. This alteration results from a C to T substitution at nucleotide position 1039, causing the leucine (L) at amino acid position 347 to be replaced by a phenylalanine (F). This variant was not reported in population-based cohorts in the Genome Aggregation Database (gnomAD). This variant has been identified in conjunction with other GCDH variant(s) in individual(s) with features consistent with GCDH-related glutaric aciduria (Christensen, 2004). This amino acid position is highly conserved in available vertebrate species. This alteration is predicted to be deleterious by in silico analysis. Based on insufficient or conflicting evidence, the clinical significance of this alteration remains unclear.

Women's Health and Genetics/Laboratory Corporation of America, LabCorp
Classification: Uncertain significance. Last evaluated: 2023-11-16. Review status: criteria provided, single submitter. Criteria: LabCorp Variant Classification Summary - May 2015. Collection method: clinical testing. Allele origin: germline.
Comment: Variant summary: GCDH c.1039C>T (p.Leu347Phe) results in a non-conservative amino acid change located in the Acyl-CoA dehydrogenase/oxidase, C-terminal domain (IPR009075) of the encoded protein sequence. Four of five in-silico tools predict a damaging effect of the variant on protein function. The variant was absent in 250962 control chromosomes (gnomAD). The available data on variant occurrences in the general population are insufficient to allow any conclusion about variant significance. c.1039C>T has been reported in the literature in individuals affected with Glutaric Acidemia Type 1 (Christensen_2004, Schuurmans_2023). These data do not allow any conclusion about variant significance. To our knowledge, no experimental evidence demonstrating an impact on protein function has been reported. The following publications have been ascertained in the context of this evaluation (PMID: 15505393, 37020324). No submitters have cited clinical-significance assessments for this variant to ClinVar after 2014. Based on the evidence outlined above, the variant was classified as uncertain significance.

Literature cited by the submitters: PubMed 15505393 (cited by 3 submitters); PubMed 37020324 (cited by Women's Health and Genetics/Laboratory Corporation of America, LabCorp).

NM_000159.4(GCDH):c.1039C>T (p.Leu347Phe)

Gene: GCDH (glutaryl-CoA dehydrogenase; plus strand). Cytogenetic location: 19p13.13.
Variant type: single nucleotide variant.
Coding change: c.1039C>T on transcript NM_000159.4 (MANE Select); coding-DNA position 1039, C replaced by T.
Protein change: p.Leu347Phe; replaces leucine 347 with phenylalanine.
Molecular consequence: missense variant. On other transcripts: non-coding transcript variant (2).
Genome position (GRCh38, 1-based): chr19:12,897,385, C>T. VCF-style: chr19-12897385-C-T. GRCh37 (hg19) VCF-style: chr19-13008199-C-T.
Other names: c.1039C>T, p.Leu347Phe (NM_013976.5); c.1039C>T (NM_000159.2); short protein forms L347F.
Identifiers: ClinVar variation 2682563 (VCV002682563.3), dbSNP rs2512576162, ClinGen allele CA404320161.